The following is an entry in ClinVar:

ClinVar aggregate classification (germline): Uncertain significance. Review status: criteria provided, multiple submitters, no conflicts (2 of 4 stars). 2 submissions from 2 submitters: Uncertain significance (2). Last evaluated 2025-05-12.

Allele frequency attached by ClinVar (database versions not stated): gnomAD exomes 0.00001; ExAC 0.00004; TOPMed 0.00017; ESP Exome Variant Server 0.00008; gnomAD 0.00016.

Submissions (2):

Labcorp Genetics (formerly Invitae), Labcorp
Classification: Uncertain significance. Last evaluated: 2025-05-12. Review status: criteria provided, single submitter. Criteria: Invitae Variant Classification Sherloc (09022015). Collection method: clinical testing. Allele origin: germline.
Comment: This sequence change replaces leucine, which is neutral and non-polar, with phenylalanine, which is neutral and non-polar, at codon 199 of the UCP2 protein (p.Leu199Phe). This variant is present in population databases (rs369423825, gnomAD 0.05%). This variant has not been reported in the literature in individuals affected with UCP2-related conditions. ClinVar contains an entry for this variant (Variation ID: 2373371). An algorithm developed to predict the effect of missense changes on protein structure and function (PolyPhen-2) suggests that this variant is likely to be tolerated. In summary, the available evidence is currently insufficient to determine the role of this variant in disease. Therefore, it has been classified as a Variant of Uncertain Significance.

Ambry Genetics
Classification: Uncertain significance. Last evaluated: 2022-07-26. Review status: criteria provided, single submitter. Criteria: Ambry Variant Classification Scheme 2023. Collection method: clinical testing. Allele origin: germline.

NM_003355.3(UCP2):c.595C>T (p.Leu199Phe)

Gene: UCP2 (uncoupling protein 2; minus strand). Cytogenetic location: 11q13.4.
Variant type: single nucleotide variant.
Coding change: c.595C>T on transcript NM_003355.3 (MANE Select); coding-DNA position 595, C replaced by T.
Protein change: p.Leu199Phe; replaces leucine 199 with phenylalanine.
Molecular consequence: missense variant. On other transcripts: intron variant (1).
Genome position (GRCh38, 1-based): chr11:73,976,680, G>A on the plus strand (C>T on the coding strand, the complement: UCP2 is on the minus strand). VCF-style: chr11-73976680-G-A. GRCh37 (hg19) VCF-style: chr11-73687725-G-A.
Other names: c.595C>T, p.Leu199Phe (NM_001381943.1, NM_001381944.1, NM_001381945.1 and 2 more transcripts); c.400C>T, p.Leu134Phe (NM_001381950.1); c.532+143C>T (NM_001381949.1); short protein forms L134F, L199F.
Identifiers: ClinVar variation 2373371 (VCV002373371.5), dbSNP rs369423825, ClinGen allele CA6181081.